The following is an entry in ClinVar:

NM_052859.4(RFT1):c.1324C>T (p.Arg442Trp)

Gene: RFT1 (RFT1 glycolipid translocator homolog; minus strand). Cytogenetic location: 3p21.1.
Variant type: single nucleotide variant.
Coding change: c.1324C>T on transcript NM_052859.4 (MANE Select); coding-DNA position 1324, C replaced by T.
Protein change: p.Arg442Trp; replaces arginine 442 with tryptophan.
Molecular consequence: missense variant.
Genome position (GRCh38, 1-based): chr3:53,092,503, G>A on the plus strand (C>T on the coding strand, the complement: RFT1 is on the minus strand). VCF-style: chr3-53092503-G-A. GRCh37 (hg19) VCF-style: chr3-53126519-G-A.
Other names: short protein forms R442W.
Identifiers: ClinVar variation 391934 (VCV000391934.5), dbSNP rs146610276, ClinGen allele CA2451178.

ClinVar aggregate classification (germline): Uncertain significance. Review status: criteria provided, multiple submitters, no conflicts (2 of 4 stars). 2 submissions from 2 submitters: Uncertain significance (2). Last evaluated 2022-03-22.

Conditions:
RFT1-congenital disorder of glycosylation (CDG1N). Also called: CDG In; Congenital disorder of glycosylation type In; RFT1-CDG. Identifiers: Orphanet 244310, MedGen C2677590, MONDO:0012783, OMIM 612015.

Allele frequency attached by ClinVar (database versions not stated): ExAC 0.00001; gnomAD exomes 0.00001; gnomAD 0.00003 and 0.00004; TOPMed 0.00003; ESP Exome Variant Server 0.00008.
gnomAD v4.1: 28 of 1,612,146 alleles (0.0017%); highest among the groups gnomAD compares: African/African-American, 0.011%; no homozygotes.

Submissions (2):

Labcorp Genetics (formerly Invitae), Labcorp
Classification: Uncertain significance for RFT1-congenital disorder of glycosylation. Last evaluated: 2022-03-22. Review status: criteria provided, single submitter. Criteria: Invitae Variant Classification Sherloc (09022015). Collection method: clinical testing. Allele origin: germline.
Comment: This sequence change replaces arginine, which is basic and polar, with tryptophan, which is neutral and slightly polar, at codon 442 of the RFT1 protein (p.Arg442Trp). This variant is present in population databases (rs146610276, gnomAD 0.007%). This variant has not been reported in the literature in individuals affected with RFT1-related conditions. ClinVar contains an entry for this variant (Variation ID: 391934). Algorithms developed to predict the effect of missense changes on protein structure and function (SIFT, PolyPhen-2, Align-GVGD) all suggest that this variant is likely to be disruptive. In summary, the available evidence is currently insufficient to determine the role of this variant in disease. Therefore, it has been classified as a Variant of Uncertain Significance.

GeneDx
Classification: Uncertain significance. Last evaluated: 2016-12-20. Review status: criteria provided, single submitter. Criteria: GeneDx Variant Classification (06012015). Collection method: clinical testing. Allele origin: germline. Affected: yes.
Comment: The R442W variant in the RFT1 gene has not been reported previously as a pathogenic variant, nor as a benign variant, to our knowledge. The R442W variant was not observed at any significant frequency in approximately 6,500 individuals of European and African American ancestry in the NHLBI Exome Sequencing Project, indicating it is not a common benign variant in these populations. The R442W variant is a non-conservative amino acid substitution, which is likely to impact secondary protein structure as these residues differ in polarity, charge, size and/or other properties. This substitution occurs at a position that is conserved across species. In silico analysis predicts this variant is probably damaging to the protein structure/function. We interpret R442W as a variant of uncertain significance.